The following is an entry in ClinVar:

NM_000155.4(GALT):c.368G>A (p.Arg123Gln)

Gene: GALT (galactose-1-phosphate uridylyltransferase; plus strand). Cytogenetic location: 9p13.3.
Variant type: single nucleotide variant.
Coding change: c.368G>A on transcript NM_000155.4 (MANE Select); coding-DNA position 368, G replaced by A.
Protein change: p.Arg123Gln; replaces arginine 123 with glutamine.
Molecular consequence: missense variant. On other transcripts: intron variant (1).
Genome position (GRCh38, 1-based): chr9:34,647,696, G>A. VCF-style: chr9-34647696-G-A. GRCh37 (hg19) VCF-style: chr9-34647693-G-A.
Other names: c.51-136G>A (NM_001258332.2); c.368G>A (NM_000155.3).
Identifiers: ClinVar variation 2136755 (VCV002136755.7), dbSNP rs111033675, ClinGen allele CA259373.
Genomic context (GRCh38, chr9:34,647,696, plus strand): 5'-AGTGATACTCCTTTACCTCAGGACCCAGTGATCATCCCCTTTTCCAAGCAAAGTCTGCTC[G>A]AGGAGTCTGGTAACTATGGATTTCCCCTCTTACAACTTTCAAACCAGAGTTGGAGACTCA-3'
Protein context (NP_000146.2, residues 113-133): DHPLFQAKSA[Arg123Gln]GVCKVMCFHP

ClinVar aggregate classification (germline): Pathogenic/Likely pathogenic. Review status: criteria provided, multiple submitters, no conflicts (2 of 4 stars). 4 submissions from 4 submitters: Pathogenic (1); Likely pathogenic (3). Last evaluated 2025-11-05.

Conditions:
Deficiency of UDPglucose-hexose-1-phosphate uridylyltransferase. Also called: Transferase Deficiency Galactosemia; GALACTOSEMIA I; GALACTOSE-1-PHOSPHATE URIDYLYLTRANSFERASE DEFICIENCY; GALT deficiency; Galactosemia, classic. Identifiers: Orphanet 352, Orphanet 79239, MedGen C0268151, MONDO:0009258, OMIM 230400.
Galactosemia. Also called: Galactose intolerance. Identifiers: Orphanet 352, MedGen C0016952, MONDO:0018116, HP:0004919. Disease mechanism: loss of function.

Allele frequency attached by ClinVar (database versions not stated): gnomAD exomes below 0.00001; TOPMed below 0.00001; gnomAD 0.00001.
gnomAD v4.1: 4 of 1,614,012 alleles (0.00025%); highest among the groups gnomAD compares: African/African-American, 0.0027%; no homozygotes.

Submissions (4):

Natera, Inc.
Classification: Likely pathogenic for Galactosemia. Last evaluated: 2025-11-05. Review status: criteria provided, single submitter. Criteria: Natera Variant Classification Schema (03/2026). Collection method: clinical testing. Allele origin: germline.
Comment: The c.368G>A variant in GALT is a missense variant predicted to cause substitution of arginine to glutamine at amino acid 123. This variant is rare in the general population with a frequency below the threshold expected for the associated phenotype(s). This variant has been observed in one or more individuals affected with the associated recessive disease, as either homozygous or compound heterozygous with a second variant (PMID: 11397328, 10535394, 14728988). This variant has been identified in one or more affected individual with a phenotype highly consistent with the associated gene (PMID: 10535394). Computational prediction algorithms indicate this variant is likely to affect gene or protein function. Given the available evidence, this variant is classified as Likely Pathogenic.

Fulgent Genetics
Classification: Likely pathogenic for Deficiency of UDPglucose-hexose-1-phosphate uridylyltransferase. Last evaluated: 2024-03-06. Review status: criteria provided, single submitter. Criteria: ACMG Guidelines, 2015. Collection method: clinical testing. Allele origin: germline.

Baylor Genetics
Classification: Likely pathogenic for Deficiency of UDPglucose-hexose-1-phosphate uridylyltransferase. Last evaluated: 2023-07-02. Review status: criteria provided, single submitter. Criteria: ACMG Guidelines, 2015. Collection method: clinical testing. Allele origin: unknown.

Labcorp Genetics (formerly Invitae), Labcorp
Classification: Pathogenic for Deficiency of UDPglucose-hexose-1-phosphate uridylyltransferase. Last evaluated: 2023-05-18. Review status: criteria provided, single submitter. Criteria: Invitae Variant Classification Sherloc (09022015). Collection method: clinical testing. Allele origin: germline.
Comment: For these reasons, this variant has been classified as Pathogenic. This variant disrupts the p.Arg123 amino acid residue in GALT. Other variant(s) that disrupt this residue have been determined to be pathogenic (PMID: 9222760). This suggests that this residue is clinically significant, and that variants that disrupt this residue are likely to be disease-causing. Advanced modeling of protein sequence and biophysical properties (such as structural, functional, and spatial information, amino acid conservation, physicochemical variation, residue mobility, and thermodynamic stability) performed at Invitae indicates that this missense variant is expected to disrupt GALT protein function. ClinVar contains an entry for this variant (Variation ID: 2136755). This missense change has been observed in individual(s) with galactosemia (PMID: 11397328). This variant is present in population databases (rs111033675, gnomAD 0.007%). This sequence change replaces arginine, which is basic and polar, with glutamine, which is neutral and polar, at codon 123 of the GALT protein (p.Arg123Gln).

Literature cited by the submitters: PubMed 11397328 (cited by Natera, Inc. and Labcorp Genetics (formerly Invitae), Labcorp); PubMed 10535394 (cited by Natera, Inc.); PubMed 14728988 (cited by Natera, Inc.); PubMed 9222760 (cited by Labcorp Genetics (formerly Invitae), Labcorp).